The following is an entry in ClinVar:

NM_001042492.3(NF1):c.2132_2136dup (p.Leu713fs)

Gene: NF1 (neurofibromin 1; plus strand). Cytogenetic location: 17q11.2.
Variant type: Duplication.
Coding change: c.2132_2136dup on transcript NM_001042492.3 (MANE Select); coding-DNA positions 2132 to 2136, 5 bases duplicated (GCCAC; older notation c.2132_2136dupGCCAC).
Protein change: p.Leu713fs; shifts the reading frame from leucine 713.
Molecular consequence: frameshift variant.
Genome position (GRCh38, 1-based): chr17:31,226,565-31,226,569, GCCAC duplicated; duplicating any 5 consecutive bases within chr17:31,226,564-31,226,569 gives the same sequence; the c. name uses the placement nearest the transcript's 3' end. VCF-style (leftmost placement, unchanged base first): chr17-31226563-C-CCGCCA. GRCh37 (hg19) VCF-style: chr17-29553581-C-CCGCCA.
Other names: c.2132_2136dup, p.Leu713Alafs (NM_000267.4); c.2132_2136dupGCCAC (NM_000267.3); short protein forms L713fs.
Identifiers: ClinVar variation 3404635 (VCV003404635.1).

ClinVar aggregate classification (germline): Pathogenic (1 of 4 stars; one submission).

Conditions:
Hereditary cancer-predisposing syndrome. Also called: Hereditary Cancer Syndrome; Tumor predisposition; Hereditary neoplastic syndrome; Neoplastic Syndromes, Hereditary. Identifiers: Orphanet 140162, MedGen C0027672, MeSH D009386, MONDO:0015356.
Cardiovascular phenotype. Identifiers: MedGen CN230736.

Submission:

Ambry Genetics
Classification: Pathogenic for Cardiovascular phenotype; Hereditary cancer-predisposing syndrome. Last evaluated: 2024-07-01. Review status: criteria provided, single submitter. Criteria: Ambry Variant Classification Scheme 2023. Collection method: clinical testing. Allele origin: germline.
Comment: The c.2132_2136dupGCCAC pathogenic mutation, located in coding exon 18 of the NF1 gene, results from a duplication of GCCAC at nucleotide position 2132, causing a translational frameshift with a predicted alternate stop codon (p.L713Afs*37). This variant is considered to be rare based on population cohorts in the Genome Aggregation Database (gnomAD). This alteration is expected to result in loss of function by premature protein truncation or nonsense-mediated mRNA decay. As such, this alteration is interpreted as a disease-causing mutation.